The following is an entry in ClinVar:

ClinVar aggregate classification (germline): Likely benign (0 of 4 stars; one submission).

Conditions:
IQGAP3-related disorder. Also called: IQGAP3-related condition.

Allele frequency attached by ClinVar (database versions not stated): gnomAD exomes 0.00036; gnomAD 0.00039; TOPMed 0.00046; ExAC 0.00065; 1000 Genomes Project 30x 0.00187; 1000 Genomes Project 0.00240.
gnomAD v4.1: 594 of 1,605,390 alleles (0.037%); highest among the groups gnomAD compares: East Asian, 0.71%; 5 homozygotes.

Submissions (4):

PreventionGenetics, part of Exact Sciences
Classification: Likely benign for IQGAP3-related condition. Last evaluated: 2019-06-21. Review status: no assertion criteria provided. Collection method: clinical testing. Allele origin: germline.
Comment: This variant is classified as likely benign based on ACMG/AMP sequence variant interpretation guidelines (Richards et al. 2015 PMID: 25741868, with internal and published modifications).

Dr. Peter K. Rogan Lab, Western University
No classification provided (evidence only). Condition: Gastric cancer. Review status: no classification provided. Collection method: in vitro. Allele origin: not applicable. Functional consequence: retained intron. Not counted in ClinVar's aggregate classification.

Dr. Peter K. Rogan Lab, Western University
No classification provided (evidence only). Condition: Gastric cancer. Review status: no classification provided. Collection method: in vitro. Allele origin: not applicable. Functional consequence: retained intron. Not counted in ClinVar's aggregate classification.

Dr. Peter K. Rogan Lab, Western University
No classification provided (evidence only). Condition: Adrenocortical carcinoma, hereditary. Review status: no classification provided. Collection method: in vitro. Allele origin: not applicable. Functional consequence: retained intron. Not counted in ClinVar's aggregate classification.

NM_178229.5(IQGAP3):c.644A>G (p.Asn215Ser)

Gene: IQGAP3 (IQ motif containing GTPase activating protein 3; minus strand). Cytogenetic location: 1q22.
Variant type: single nucleotide variant.
Coding change: c.644A>G on transcript NM_178229.5 (MANE Select); coding-DNA position 644, A replaced by G.
Protein change: p.Asn215Ser; replaces asparagine 215 with serine.
Molecular consequence: missense variant.
Genome position (GRCh38, 1-based): chr1:156,563,288, T>C on the plus strand (A>G on the coding strand, the complement: IQGAP3 is on the minus strand). VCF-style: chr1-156563288-T-C. GRCh37 (hg19) VCF-style: chr1-156533080-T-C.
Other names: NC_000001.10:g.156533080T>C; short protein forms N215S.
Identifiers: ClinVar variation 3043495 (VCV003043495.3), dbSNP rs139718277, ClinGen allele CA1161885.